The following is an entry in ClinVar:

ClinVar aggregate classification (germline): Uncertain significance (1 of 4 stars; one submission).

Conditions:
Chédiak-Higashi syndrome (CHS). Also called: Chediak-Higashi Syndrome. Identifiers: Orphanet 167, MedGen C0007965, MONDO:0008963, OMIM 214500.

Submission:

Labcorp Genetics (formerly Invitae), Labcorp
Classification: Uncertain significance for Chédiak-Higashi syndrome. Last evaluated: 2022-06-07. Review status: criteria provided, single submitter. Criteria: Invitae Variant Classification Sherloc (09022015). Collection method: clinical testing. Allele origin: germline.
Comment: This sequence change replaces asparagine, which is neutral and polar, with serine, which is neutral and polar, at codon 2087 of the LYST protein (p.Asn2087Ser). This variant is not present in population databases (gnomAD no frequency). This variant has not been reported in the literature in individuals affected with LYST-related conditions. Algorithms developed to predict the effect of missense changes on protein structure and function output the following: SIFT: "Tolerated"; PolyPhen-2: "Benign"; Align-GVGD: "Class C0". The serine amino acid residue is found in multiple mammalian species, which suggests that this missense change does not adversely affect protein function. In summary, the available evidence is currently insufficient to determine the role of this variant in disease. Therefore, it has been classified as a Variant of Uncertain Significance.

NM_000081.4(LYST):c.6260A>G (p.Asn2087Ser)

Gene: LYST (lysosomal trafficking regulator; minus strand). Cytogenetic location: 1q42.3.
Variant type: single nucleotide variant.
Coding change: c.6260A>G on transcript NM_000081.4 (MANE Select); coding-DNA position 6260, A replaced by G.
Protein change: p.Asn2087Ser; replaces asparagine 2087 with serine.
Molecular consequence: missense variant.
Genome position (GRCh38, 1-based): chr1:235,759,593, T>C on the plus strand (A>G on the coding strand, the complement: LYST is on the minus strand). VCF-style: chr1-235759593-T-C. GRCh37 (hg19) VCF-style: chr1-235922893-T-C.
Other names: c.6260A>G, p.Asn2087Ser (NM_001301365.1); short protein forms N2087S.
Identifiers: ClinVar variation 2003109 (VCV002003109.4), dbSNP rs2527813063, ClinGen allele CA344943303.
Genomic context (GRCh38, chr1:235,759,593, plus strand): 5'-GGTAGGCTTCTAGAACGCAGCATATGGGCGGCCATCTGTTGTGGAATAATATTAGAGGAA[T>C]TCTCTCCTGGTAAGAGTAGATACAAAAATACTACTTAAAAATCTATTAAGTGGAACCACC-3'
Protein context (NP_000072.2, residues 2077-2097): GFTASPYEGE[Asn2087Ser]SSNIIPQQMA